The following is an entry in ClinVar:

NM_001025356.3(ANO6):c.36GGA[6] (p.Glu16_Asp17insGlu)

Gene: ANO6 (anoctamin 6; plus strand). Cytogenetic location: 12q12.
Variant type: Microsatellite.
Coding change: c.36GGA[6] on transcript NM_001025356.3 (MANE Select); six copies in a row of the 3-base unit GGA starting at c.36; the reference has five copies in a row; one copy, 3 bases duplicated.
Protein change: p.Glu16_Asp17insGlu.
Genome position (GRCh38, 1-based): chr12:45,216,369-45,216,371, GGA duplicated; duplicating any 3 consecutive bases within chr12:45,216,357-45,216,371 gives the same sequence; the position shown is the placement nearest the transcript's 3' end. VCF-style (leftmost placement, unchanged base first): chr12-45216356-T-TGGA. GRCh37 (hg19) VCF-style: chr12-45610139-T-TGGA.
Other names: c.36GGA[6], p.Glu16_Asp17insGlu (NM_001142679.2, NM_001204803.2); c.48_50dupGGA (NM_001025356.3).
Identifiers: ClinVar variation 3896103 (VCV003896103.1).
Genomic context (GRCh38, chr12:45,216,356, plus strand): 5'-GTTCGGAGCCGCCTTCTGAGGGAGACATGAAAAAGATGAGCAGGAATGTTTTGCTACAAA[T>TGGA]GGAGGAGGAGGAGGACGACGACGATGGGGATATCGGTGAGCGAGGGGTCCCCGCGTCCCC-3'

ClinVar aggregate classification (germline): Uncertain significance (1 of 4 stars; one submission).

Submission:

Women's Health and Genetics/Laboratory Corporation of America, LabCorp
Classification: Uncertain significance. Last evaluated: 2025-03-19. Review status: criteria provided, single submitter. Criteria: LabCorp Variant Classification Summary - May 2015. Collection method: clinical testing. Allele origin: germline.
Comment: Variant summary: ANO6 c.48_50dupGGA (p.Glu16dup) results in an in-frame duplication that is predicted to duplicate one amino acids into the encoded protein. The variant allele was found at a frequency of 3.1e-06 in 1605738 control chromosomes. The available data on variant occurrences in the general population are insufficient to allow any conclusion about variant significance. To our knowledge, no occurrence of c.48_50dupGGA in individuals affected with Scott Syndrome and no experimental evidence demonstrating its impact on protein function have been reported. No submitters have cited clinical-significance assessments for this variant to ClinVar. Based on the evidence outlined above, the variant was classified as uncertain significance.